The following is an entry in ClinVar:

ClinVar aggregate classification (germline): Benign. Review status: criteria provided, multiple submitters, no conflicts (2 of 4 stars). 2 submissions from 2 submitters: Benign (2). Last evaluated 2018-06-16.

Allele frequency attached by ClinVar (database versions not stated): gnomAD exomes 0.00188; gnomAD 0.01780 and 0.01894; TOPMed 0.02014; 1000 Genomes Project 0.02037; 1000 Genomes Project 30x 0.02389.
gnomAD v4.1: 4,867 of 1,235,204 alleles (0.39%); highest among the groups gnomAD compares: African/African-American, 6.2%; 134 homozygotes.

Submissions (2):

GeneDx
Classification: Benign. Last evaluated: 2018-06-16. Review status: criteria provided, single submitter. Criteria: GeneDx Variant Classification (06012015). Collection method: clinical testing. Allele origin: germline. Affected: yes.
Comment: This variant is considered likely benign or benign based on one or more of the following criteria: it is a conservative change, it occurs at a poorly conserved position in the protein, it is predicted to be benign by multiple in silico algorithms, and/or has population frequency not consistent with disease.

Breakthrough Genomics
Classification: Benign. Review status: criteria provided, single submitter. Criteria: ACMG Guidelines, 2015. Collection method: not provided. Allele origin: germline. Inheritance: Autosomal dominant inheritance. Affected: yes.

NM_001103.4(ACTN2):c.877-99T>C

Gene: ACTN2 (actinin alpha 2; plus strand). Cytogenetic location: 1q43.
Variant type: single nucleotide variant.
Coding change: c.877-99T>C on transcript NM_001103.4 (MANE Select); 99 bases into the intron before coding-DNA position 877, T replaced by C.
Molecular consequence: intron variant.
Genome position (GRCh38, 1-based): chr1:236,739,203, T>C. VCF-style: chr1-236739203-T-C. GRCh37 (hg19) VCF-style: chr1-236902503-T-C.
Other names: c.253-99T>C (NM_001278344.2); c.877-99T>C (NM_001278343.2).
Identifiers: ClinVar variation 672445 (VCV000672445.2), dbSNP rs11807254, ClinGen allele CA39725511.